The following is an entry in ClinVar:

ClinVar aggregate classification (germline): Uncertain significance. Review status: criteria provided, multiple submitters, no conflicts (2 of 4 stars). 3 submissions from 3 submitters: Uncertain significance (3). Last evaluated 2024-11-22.

Conditions:
Hereditary cancer-predisposing syndrome. Also called: Hereditary neoplastic syndrome; Neoplastic Syndromes, Hereditary; Tumor predisposition; Hereditary Cancer Syndrome. Identifiers: Orphanet 140162, MedGen C0027672, MeSH D009386, MONDO:0015356.
Gorlin syndrome. Also called: Nevoid Basal Cell Carcinoma Syndrome; Basal cell nevus syndrome. Identifiers: Orphanet 377, MedGen C0004779, MONDO:0007187.

Submissions (3):

Labcorp Genetics (formerly Invitae), Labcorp
Classification: Uncertain significance for Gorlin syndrome. Last evaluated: 2024-11-22. Review status: criteria provided, single submitter. Criteria: Invitae Variant Classification Sherloc (09022015). Collection method: clinical testing. Allele origin: germline.
Comment: This sequence change replaces glutamine, which is neutral and polar, with glutamic acid, which is acidic and polar, at codon 808 of the PTCH1 protein (p.Gln808Glu). This variant is not present in population databases (gnomAD no frequency). This variant has not been reported in the literature in individuals affected with PTCH1-related conditions. ClinVar contains an entry for this variant (Variation ID: 1021328). Invitae Evidence Modeling of protein sequence and biophysical properties (such as structural, functional, and spatial information, amino acid conservation, physicochemical variation, residue mobility, and thermodynamic stability) has been performed for this missense variant. However, the output from this modeling did not meet the statistical confidence thresholds required to predict the impact of this variant on PTCH1 protein function. In summary, the available evidence is currently insufficient to determine the role of this variant in disease. Therefore, it has been classified as a Variant of Uncertain Significance.

GeneDx
Classification: Uncertain significance. Last evaluated: 2023-07-31. Review status: criteria provided, single submitter. Criteria: GeneDx Variant Classification Process June 2021. Collection method: clinical testing. Allele origin: germline. Affected: yes.
Comment: Not observed at significant frequency in large population cohorts (gnomAD); In silico analysis supports that this missense variant does not alter protein structure/function; Has not been previously published as pathogenic or benign to our knowledge; This variant is associated with the following publications: (PMID: 8906794)

Ambry Genetics
Classification: Uncertain significance for Hereditary cancer-predisposing syndrome. Last evaluated: 2022-11-23. Review status: criteria provided, single submitter. Criteria: Ambry Variant Classification Scheme 2023. Collection method: clinical testing. Allele origin: germline.
Comment: The p.Q808E variant (also known as c.2422C>G), located in coding exon 15 of the PTCH1 gene, results from a C to G substitution at nucleotide position 2422. The glutamine at codon 808 is replaced by glutamic acid, an amino acid with highly similar properties. This amino acid position is conserved. In addition, the in silico prediction for this alteration is inconclusive. Since supporting evidence is limited at this time, the clinical significance of this alteration remains unclear.

NM_000264.5(PTCH1):c.2422C>G (p.Gln808Glu)

Genes: PTCH1 (patched 1; minus strand), LOC100507346 (uncharacterized LOC100507346; plus strand). Cytogenetic location: 9q22.32.
Variant type: single nucleotide variant.
Coding change: c.2422C>G on transcript NM_000264.5 (MANE Select); coding-DNA position 2422, C replaced by G.
Protein change: p.Gln808Glu; replaces glutamine 808 with glutamic acid.
Molecular consequence: missense variant. On other transcripts: non-coding transcript variant (1).
Genome position (GRCh38, 1-based): chr9:95,467,254, G>C on the plus strand (C>G on the coding strand, the complement: PTCH1 is on the minus strand). VCF-style: chr9-95467254-G-C. GRCh37 (hg19) VCF-style: chr9-98229536-G-C.
Other names: c.2224C>G, p.Gln742Glu (NM_001083602.3); c.2419C>G, p.Gln807Glu (NM_001083603.3); c.1969C>G, p.Gln657Glu (NM_001083604.3, NM_001083605.3, NM_001083606.3 and 1 more transcripts); c.2266C>G, p.Gln756Glu (NM_001354918.2); c.2422C>G (NM_000264.3); short protein forms Q657E, Q742E, Q756E, Q807E, Q808E.
Identifiers: ClinVar variation 1021328 (VCV001021328.11), dbSNP rs1840089681, ClinGen allele CA374114248.